The following is an entry in ClinVar:

ClinVar aggregate classification (germline): Benign/Likely benign. Review status: criteria provided, multiple submitters, no conflicts (2 of 4 stars). 3 submissions from 3 submitters: Benign (1); Likely benign (2). Last evaluated 2026-01-19.

Conditions:
PHKB-related disorder. Also called: PHKB-related condition.
Glycogen storage disease IXb (GSD9B). Also called: PHOSPHORYLASE KINASE DEFICIENCY OF LIVER AND MUSCLE, AUTOSOMAL RECESSIVE; GLYCOGENOSIS OF LIVER AND MUSCLE, AUTOSOMAL RECESSIVE; GSD IXb. Identifiers: Orphanet 79240, MedGen C0543514, MONDO:0009868, OMIM 261750.

Allele frequency attached by ClinVar (database versions not stated): gnomAD exomes 0.00018 and 0.00045; ESP Exome Variant Server 0.00023; gnomAD 0.00023 and 0.00026; TOPMed 0.00030; 1000 Genomes Project 30x 0.00031; 1000 Genomes Project 0.00040; ExAC 0.00049.
gnomAD v4.1: 255 of 1,381,598 alleles (0.018%); highest among the groups gnomAD compares: East Asian, 0.49%; 2 homozygotes.

Submissions (3):

Labcorp Genetics (formerly Invitae), Labcorp
Classification: Benign for Glycogen storage disease IXb. Last evaluated: 2026-01-19. Review status: criteria provided, single submitter. Criteria: Invitae Variant Classification Sherloc (09022015). Collection method: clinical testing. Allele origin: germline.

PreventionGenetics, part of Exact Sciences
Classification: Likely benign for PHKB-related condition. Last evaluated: 2025-05-08. Review status: criteria provided, single submitter. Criteria: ACMG Guidelines, 2015. Collection method: clinical testing. Allele origin: germline.
Comment: This variant is classified as likely benign based on ACMG/AMP sequence variant interpretation guidelines (Richards et al. 2015 PMID: 25741868, with internal and published modifications).

Illumina Laboratory Services, Illumina
Classification: Likely benign for Glycogen storage disease IXb. Last evaluated: 2018-01-13. Review status: criteria provided, single submitter. Criteria: ICSL Variant Classification Criteria 13 December 2019. Collection method: clinical testing. Allele origin: germline.
Comment: This variant was observed in the ICSL laboratory as part of a predisposition screen in an ostensibly healthy population. It had not been previously curated by ICSL or reported in the Human Gene Mutation Database (HGMD: prior to June 1st, 2018), and was therefore a candidate for classification through an automated scoring system. Utilizing variant allele frequency, disease prevalence and penetrance estimates, and inheritance mode, an automated score was calculated to assess if this variant is too frequent to cause the disease. Based on the score and internal cut-off values, a variant classified as likely benign is not then subjected to further curation. The score for this variant resulted in a classification of likely benign for this disease.

NM_000293.3(PHKB):c.1797+8C>T

Gene: PHKB (phosphorylase kinase regulatory subunit beta; plus strand). Cytogenetic location: 16q12.1.
Variant type: single nucleotide variant.
Coding change: c.1797+8C>T on transcript NM_000293.3 (MANE Select); 8 bases into the intron after coding-DNA position 1797, C replaced by T.
Molecular consequence: intron variant.
Genome position (GRCh38, 1-based): chr16:47,649,212, C>T. VCF-style: chr16-47649212-C-T. GRCh37 (hg19) VCF-style: chr16-47683123-C-T.
Other names: c.1776+8C>T (NM_001031835.2, NM_001031835.3); c.1797+8C>T (NM_001363837.1).
Identifiers: ClinVar variation 319350 (VCV000319350.14), dbSNP rs77462273, ClinGen allele CA8040960.
Genomic context (GRCh38, chr16:47,649,212, plus strand): 5'-TAAGTGATTTCTACATGTCTCAGGATGTTTTCCTGCTGATAGATGACATAAAGGTAGCTT[C>T]GGAACACCTTTCTTAAAAATGGAATGAGTTTGTTTCCACTGATTTTATCATATGTTACTA-3'